The following is an entry in ClinVar:

NM_182961.4(SYNE1):c.23875G>A (p.Ala7959Thr)

Gene: SYNE1 (spectrin repeat containing nuclear envelope protein 1; minus strand). Cytogenetic location: 6q25.2.
Variant type: single nucleotide variant.
Coding change: c.23875G>A on transcript NM_182961.4 (MANE Select); coding-DNA position 23875, G replaced by A.
Protein change: p.Ala7959Thr; replaces alanine 7959 with threonine.
Molecular consequence: missense variant.
Genome position (GRCh38, 1-based): chr6:152,156,013, C>T on the plus strand (G>A on the coding strand, the complement: SYNE1 is on the minus strand). VCF-style: chr6-152156013-C-T. GRCh37 (hg19) VCF-style: chr6-152477148-C-T.
Other names: c.481G>A, p.Ala161Thr (NM_001347701.2); c.340G>A, p.Ala114Thr (NM_001347702.2); c.23662G>A, p.Ala7888Thr (NM_033071.5); c.23662G>A (NM_033071.3); short protein forms A7959T, A114T, A161T, A7888T.
Identifiers: ClinVar variation 1495672 (VCV001495672.7), dbSNP rs780029496, ClinGen allele CA4053331.

ClinVar aggregate classification (germline): Uncertain significance. Review status: criteria provided, multiple submitters, no conflicts (2 of 4 stars). 2 submissions from 2 submitters: Uncertain significance (2). Last evaluated 2026-01-19.

Conditions:
Autosomal recessive ataxia, Beauce type. Also called: SYNE1-Related Autosomal Recessive Cerebellar Ataxia; Spinocerebellar ataxia, autosomal recessive 8; ATAXIA, RECESSIVE, OF BEAUCE; SYNE1 Deficiency. Identifiers: Orphanet 88644, MedGen C1853116, MONDO:0012549, OMIM 610743.
Emery-Dreifuss muscular dystrophy 4, autosomal dominant (EDMD4). Also called: EMERY-DREIFUSS MUSCULAR DYSTROPHY 4 WITH VARIABLE FEATURES. Identifiers: Orphanet 261, MedGen C2751807, MONDO:0013071, OMIM 612998.

Allele frequency attached by ClinVar (database versions not stated): TOPMed 0.00003; ExAC 0.00002; gnomAD exomes 0.00002; gnomAD 0.00003.
gnomAD v4.1: 32 of 1,614,034 alleles (0.002%); highest among the groups gnomAD compares: Admixed American, 0.005%; no homozygotes.

Submissions (2):

Labcorp Genetics (formerly Invitae), Labcorp
Classification: Uncertain significance for Emery-Dreifuss muscular dystrophy 4, autosomal dominant; Autosomal recessive ataxia, Beauce type. Last evaluated: 2026-01-19. Review status: criteria provided, single submitter. Criteria: Invitae Variant Classification Sherloc (09022015). Collection method: clinical testing. Allele origin: germline.
Comment: This sequence change replaces alanine, which is neutral and non-polar, with threonine, which is neutral and polar, at codon 7888 of the SYNE1 protein (p.Ala7888Thr). This variant is present in population databases (rs780029496, gnomAD 0.009%). This variant has not been reported in the literature in individuals affected with SYNE1-related conditions. ClinVar contains an entry for this variant (Variation ID: 1495672). An algorithm developed to predict the effect of missense changes on protein structure and function (PolyPhen-2) suggests that this variant is likely to be disruptive. In summary, the available evidence is currently insufficient to determine the role of this variant in disease. Therefore, it has been classified as a Variant of Uncertain Significance.

Revvity Omics, Revvity
Classification: Uncertain significance. Last evaluated: 2021-04-08. Review status: criteria provided, single submitter. Criteria: ACMG Guidelines, 2015. Collection method: clinical testing. Allele origin: germline.